The following is an entry in ClinVar:

ClinVar aggregate classification (germline): Likely benign. Review status: criteria provided, single submitter (1 of 4 stars). 2 submissions from 1 submitter: Likely benign (2). Last evaluated 2018-01-12.

Conditions:
Warburg micro syndrome 2 (WARBM2). Also called: MICRO SYNDROME 2. Identifiers: Orphanet 2510, MedGen C3280214, MONDO:0013641, OMIM 614225.
Martsolf syndrome (MARTS). Also called: Congenital cataract with intellectual disability and hypogonadotropic hypogonadism syndrome. Identifiers: Orphanet 1387, MedGen C0796037, MONDO:0023910.

Allele frequency attached by ClinVar (database versions not stated): 1000 Genomes Project 30x 0.00047; 1000 Genomes Project 0.00060; gnomAD 0.00304 and 0.00318; TOPMed 0.00304.

Submissions (2):

Illumina Laboratory Services, Illumina
Classification: Likely benign for Warburg micro syndrome 2. Last evaluated: 2018-01-12. Review status: criteria provided, single submitter. Criteria: ICSL Variant Classification Criteria 13 December 2019. Collection method: clinical testing. Allele origin: germline.
Comment: This variant was observed in the ICSL laboratory as part of a predisposition screen in an ostensibly healthy population. It had not been previously curated by ICSL or reported in the Human Gene Mutation Database (HGMD: prior to June 1st, 2018), and was therefore a candidate for classification through an automated scoring system. Utilizing variant allele frequency, disease prevalence and penetrance estimates, and inheritance mode, an automated score was calculated to assess if this variant is too frequent to cause the disease. Based on the score and internal cut-off values, a variant classified as likely benign is not then subjected to further curation. The score for this variant resulted in a classification of likely benign for this disease.

Illumina Laboratory Services, Illumina
Classification: Likely benign for Martsolf syndrome 1. Last evaluated: 2018-01-12. Review status: criteria provided, single submitter. Criteria: ICSL Variant Classification Criteria 13 December 2019. Collection method: clinical testing. Allele origin: germline.
Comment: the same text as in the submission from Illumina Laboratory Services, Illumina above.

NM_012414.4(RAB3GAP2):c.*1271C>T

Gene: RAB3GAP2 (RAB3 GTPase activating non-catalytic protein subunit 2; minus strand). Cytogenetic location: 1q41.
Variant type: single nucleotide variant.
Coding change: c.*1271C>T on transcript NM_012414.4 (MANE Select); 1271 bases downstream of the stop codon, C replaced by T.
Molecular consequence: 3 prime UTR variant.
Genome position (GRCh38, 1-based): chr1:220,149,980, G>A on the plus strand (C>T on the coding strand, the complement: RAB3GAP2 is on the minus strand). VCF-style: chr1-220149980-G-A. GRCh37 (hg19) VCF-style: chr1-220323322-G-A.
Identifiers: ClinVar variation 295625 (VCV000295625.5), dbSNP rs193019999, ClinGen allele CA10610147.